The following is an entry in ClinVar:

NM_001098511.3(KIF2A):c.1761-11T>C

Gene: KIF2A (kinesin family member 2A; plus strand). Cytogenetic location: 5q12.1.
Variant type: single nucleotide variant.
Coding change: c.1761-11T>C on transcript NM_001098511.3 (MANE Select); 11 bases into the intron before coding-DNA position 1761, T replaced by C.
Molecular consequence: intron variant.
Genome position (GRCh38, 1-based): chr5:62,373,676, T>C. VCF-style: chr5-62373676-T-C. GRCh37 (hg19) VCF-style: chr5-61669503-T-C.
Other names: c.1566-11T>C (NM_001243952.2); c.1647-11T>C (NM_004520.5); c.1590-11T>C (NM_001243953.2).
Identifiers: ClinVar variation 380830 (VCV000380830.12), dbSNP rs73104058, ClinGen allele CA3279054.

ClinVar aggregate classification (germline): Benign. Review status: criteria provided, multiple submitters, no conflicts (2 of 4 stars). 3 submissions from 3 submitters: Benign (3). Last evaluated 2026-02-03.

Allele frequency attached by ClinVar (database versions not stated): gnomAD exomes 0.10161 and 0.13805; ESP Exome Variant Server 0.12041; gnomAD 0.13365 and 0.13530; TOPMed 0.14529; ExAC 0.14761; 1000 Genomes Project 0.18790; 1000 Genomes Project 30x 0.19019.
gnomAD v4.1: 169,143 of 1,605,236 alleles (11%); highest among the groups gnomAD compares: Admixed American, 23%; 10,563 homozygotes.

Submissions 1 to 31 of 76:

Labcorp Genetics (formerly Invitae), Labcorp
Classification: Benign. Last evaluated: 2026-02-03. Review status: criteria provided, single submitter. Criteria: Invitae Variant Classification Sherloc (09022015). Collection method: clinical testing. Allele origin: germline.

GeneDx
Classification: Benign. Last evaluated: 2016-01-21. Review status: criteria provided, single submitter. Criteria: GeneDx Variant Classification (06012015). Collection method: clinical testing. Allele origin: germline. Affected: yes.
Comment: This variant is considered likely benign or benign based on one or more of the following criteria: it is a conservative change, it occurs at a poorly conserved position in the protein, it is predicted to be benign by multiple in silico algorithms, and/or has population frequency not consistent with disease.

Breakthrough Genomics
Classification: Benign. Review status: criteria provided, single submitter. Criteria: ACMG Guidelines, 2015. Collection method: not provided. Allele origin: germline. Inheritance: Autosomal dominant inheritance. Affected: yes.

Dr. Peter K. Rogan Lab, Western University
No classification provided (evidence only). Condition: Familial cancer of breast. Review status: no classification provided. Collection method: in vitro. Allele origin: not applicable. Functional consequence: retained intron. Not counted in ClinVar's aggregate classification.

Dr. Peter K. Rogan Lab, Western University
No classification provided (evidence only). Condition: Malignant lymphoma, large B-cell, diffuse. Review status: no classification provided. Collection method: in vitro. Allele origin: not applicable. Functional consequence: retained intron. Not counted in ClinVar's aggregate classification.

Dr. Peter K. Rogan Lab, Western University
No classification provided (evidence only). Condition: Malignant lymphoma, large B-cell, diffuse. Review status: no classification provided. Collection method: in vitro. Allele origin: not applicable. Functional consequence: retained intron. Not counted in ClinVar's aggregate classification.

Dr. Peter K. Rogan Lab, Western University
No classification provided (evidence only). Condition: Malignant lymphoma, large B-cell, diffuse. Review status: no classification provided. Collection method: in vitro. Allele origin: not applicable. Functional consequence: retained intron. Not counted in ClinVar's aggregate classification.

Dr. Peter K. Rogan Lab, Western University
No classification provided (evidence only). Condition: Malignant lymphoma, large B-cell, diffuse. Review status: no classification provided. Collection method: in vitro. Allele origin: not applicable. Functional consequence: retained intron. Not counted in ClinVar's aggregate classification.

Dr. Peter K. Rogan Lab, Western University
No classification provided (evidence only). Condition: Malignant lymphoma, large B-cell, diffuse. Review status: no classification provided. Collection method: in vitro. Allele origin: not applicable. Functional consequence: retained intron. Not counted in ClinVar's aggregate classification.

Dr. Peter K. Rogan Lab, Western University
No classification provided (evidence only). Condition: Malignant lymphoma, large B-cell, diffuse. Review status: no classification provided. Collection method: in vitro. Allele origin: not applicable. Functional consequence: retained intron. Not counted in ClinVar's aggregate classification.

Dr. Peter K. Rogan Lab, Western University
No classification provided (evidence only). Condition: Malignant lymphoma, large B-cell, diffuse. Review status: no classification provided. Collection method: in vitro. Allele origin: not applicable. Functional consequence: retained intron. Not counted in ClinVar's aggregate classification.

Dr. Peter K. Rogan Lab, Western University
No classification provided (evidence only). Condition: Hepatocellular carcinoma. Review status: no classification provided. Collection method: in vitro. Allele origin: not applicable. Functional consequence: retained intron. Not counted in ClinVar's aggregate classification.

Dr. Peter K. Rogan Lab, Western University
No classification provided (evidence only). Condition: Hepatocellular carcinoma. Review status: no classification provided. Collection method: in vitro. Allele origin: not applicable. Functional consequence: retained intron. Not counted in ClinVar's aggregate classification.

Dr. Peter K. Rogan Lab, Western University
No classification provided (evidence only). Condition: Uterine carcinosarcoma. Review status: no classification provided. Collection method: in vitro. Allele origin: not applicable. Functional consequence: retained intron. Not counted in ClinVar's aggregate classification.

Dr. Peter K. Rogan Lab, Western University
No classification provided (evidence only). Condition: Uterine carcinosarcoma. Review status: no classification provided. Collection method: in vitro. Allele origin: not applicable. Functional consequence: retained intron. Not counted in ClinVar's aggregate classification.

Dr. Peter K. Rogan Lab, Western University
No classification provided (evidence only). Condition: Uterine carcinosarcoma. Review status: no classification provided. Collection method: in vitro. Allele origin: not applicable. Functional consequence: skipped exon, retained intron. Not counted in ClinVar's aggregate classification.

Dr. Peter K. Rogan Lab, Western University
No classification provided (evidence only). Condition: Uterine carcinosarcoma. Review status: no classification provided. Collection method: in vitro. Allele origin: not applicable. Functional consequence: retained intron. Not counted in ClinVar's aggregate classification.

Dr. Peter K. Rogan Lab, Western University
No classification provided (evidence only). Condition: Uterine carcinosarcoma. Review status: no classification provided. Collection method: in vitro. Allele origin: not applicable. Functional consequence: retained intron. Not counted in ClinVar's aggregate classification.

Dr. Peter K. Rogan Lab, Western University
No classification provided (evidence only). Condition: Chronic lymphocytic leukemia/small lymphocytic lymphoma. Review status: no classification provided. Collection method: in vitro. Allele origin: not applicable. Functional consequence: retained intron. Not counted in ClinVar's aggregate classification.

Dr. Peter K. Rogan Lab, Western University
No classification provided (evidence only). Condition: Chronic lymphocytic leukemia/small lymphocytic lymphoma. Review status: no classification provided. Collection method: in vitro. Allele origin: not applicable. Functional consequence: retained intron. Not counted in ClinVar's aggregate classification.

Dr. Peter K. Rogan Lab, Western University
No classification provided (evidence only). Condition: Chronic lymphocytic leukemia/small lymphocytic lymphoma. Review status: no classification provided. Collection method: in vitro. Allele origin: not applicable. Functional consequence: retained intron. Not counted in ClinVar's aggregate classification.

Dr. Peter K. Rogan Lab, Western University
No classification provided (evidence only). Condition: Chronic lymphocytic leukemia/small lymphocytic lymphoma. Review status: no classification provided. Collection method: in vitro. Allele origin: not applicable. Functional consequence: retained intron. Not counted in ClinVar's aggregate classification.

Dr. Peter K. Rogan Lab, Western University
No classification provided (evidence only). Condition: Chronic lymphocytic leukemia/small lymphocytic lymphoma. Review status: no classification provided. Collection method: in vitro. Allele origin: not applicable. Functional consequence: retained intron. Not counted in ClinVar's aggregate classification.

Dr. Peter K. Rogan Lab, Western University
No classification provided (evidence only). Condition: Chronic lymphocytic leukemia/small lymphocytic lymphoma. Review status: no classification provided. Collection method: in vitro. Allele origin: not applicable. Functional consequence: retained intron. Not counted in ClinVar's aggregate classification.

Dr. Peter K. Rogan Lab, Western University
No classification provided (evidence only). Condition: Chronic lymphocytic leukemia/small lymphocytic lymphoma. Review status: no classification provided. Collection method: in vitro. Allele origin: not applicable. Functional consequence: retained intron. Not counted in ClinVar's aggregate classification.

Dr. Peter K. Rogan Lab, Western University
No classification provided (evidence only). Condition: Chronic lymphocytic leukemia/small lymphocytic lymphoma. Review status: no classification provided. Collection method: in vitro. Allele origin: not applicable. Functional consequence: retained intron. Not counted in ClinVar's aggregate classification.

Dr. Peter K. Rogan Lab, Western University
No classification provided (evidence only). Condition: Chronic lymphocytic leukemia/small lymphocytic lymphoma. Review status: no classification provided. Collection method: in vitro. Allele origin: not applicable. Functional consequence: retained intron. Not counted in ClinVar's aggregate classification.

Dr. Peter K. Rogan Lab, Western University
No classification provided (evidence only). Condition: Chronic lymphocytic leukemia/small lymphocytic lymphoma. Review status: no classification provided. Collection method: in vitro. Allele origin: not applicable. Functional consequence: retained intron. Not counted in ClinVar's aggregate classification.

Dr. Peter K. Rogan Lab, Western University
No classification provided (evidence only). Condition: Chronic lymphocytic leukemia/small lymphocytic lymphoma. Review status: no classification provided. Collection method: in vitro. Allele origin: not applicable. Functional consequence: retained intron. Not counted in ClinVar's aggregate classification.

Dr. Peter K. Rogan Lab, Western University
No classification provided (evidence only). Condition: Chronic lymphocytic leukemia/small lymphocytic lymphoma. Review status: no classification provided. Collection method: in vitro. Allele origin: not applicable. Functional consequence: retained intron. Not counted in ClinVar's aggregate classification.

Dr. Peter K. Rogan Lab, Western University
No classification provided (evidence only). Condition: Nonpapillary renal cell carcinoma. Review status: no classification provided. Collection method: in vitro. Allele origin: not applicable. Functional consequence: retained intron. Not counted in ClinVar's aggregate classification.